The following is an entry in ClinVar:

ClinVar aggregate classification (germline): Likely benign. Review status: criteria provided, multiple submitters, no conflicts (2 of 4 stars). 2 submissions from 2 submitters: Likely benign (2). Last evaluated 2024-05-01.

Conditions:
Hereditary spastic paraplegia 49 (HSAN9). Also called: NEUROPATHY, HEREDITARY SENSORY AND AUTONOMIC, TYPE IX, WITH DEVELOPMENTAL DELAY; TECPR2-Related Hereditary Sensory and Autonomic Neuropathy with Intellectual Disability; Spastic paraplegia 49, autosomal recessive. Identifiers: Orphanet 320385, MedGen C5190860, MONDO:0014016, OMIM 615031.

Allele frequency attached by ClinVar (database versions not stated): gnomAD 0.00003 and 0.00004; TOPMed 0.00004; ExAC 0.00005; gnomAD exomes 0.00006 and 0.00008; ESP Exome Variant Server 0.00008.
gnomAD v4.1: 121 of 1,614,072 alleles (0.0075%); highest among the groups gnomAD compares: South Asian, 0.015%; no homozygotes.

Submissions (2):

CeGaT Center for Human Genetics Tuebingen
Classification: Likely benign. Last evaluated: 2024-05-01. Review status: criteria provided, single submitter. Criteria: CeGaT Center For Human Genetics Tuebingen Variant Classification Criteria Version 2. Collection method: clinical testing. Allele origin: germline. Affected: yes. Observed: 1 variant allele.
Comment: TECPR2: BP4, BP7

Labcorp Genetics (formerly Invitae), Labcorp
Classification: Likely benign for Hereditary spastic paraplegia 49. Last evaluated: 2024-03-29. Review status: criteria provided, single submitter. Criteria: Invitae Variant Classification Sherloc (09022015). Collection method: clinical testing. Allele origin: germline.

NM_014844.5(TECPR2):c.45G>A (p.Pro15=)

Gene: TECPR2 (tectonin beta-propeller repeat containing 2; plus strand). Cytogenetic location: 14q32.31.
Variant type: single nucleotide variant.
Coding change: c.45G>A on transcript NM_014844.5 (MANE Select); coding-DNA position 45, G replaced by A.
Protein change: p.Pro15=; no amino-acid change (proline 15 retained).
Molecular consequence: synonymous variant.
Genome position (GRCh38, 1-based): chr14:102,376,766, G>A. VCF-style: chr14-102376766-G-A. GRCh37 (hg19) VCF-style: chr14-102843103-G-A.
Other names: c.45G>A, p.Pro15= (NM_001172631.3).
Identifiers: ClinVar variation 1140265 (VCV001140265.28), dbSNP rs371781829, ClinGen allele CA7357319.
Genomic context (GRCh38, chr14:102,376,766, plus strand): 5'-TGTGGAAACCTTGGCCATGGCATCGATATCAGAGCCTGTTACATTCAGAGAGTTCTGCCC[G>A]TTGTACTATCTCCTCAATGCCATTCCGACAAAGATCCAGAAGGGTTTCCGCTCTATCGTG-3'
Protein context (NP_055659.2, residues 5-25): SEPVTFREFC[Pro15=]LYYLLNAIPT